The following is an entry in ClinVar:

NM_002458.3(MUC5B):c.12782C>A (p.Ala4261Glu)

Genes: MUC5B (mucin 5B, oligomeric mucus/gel-forming; plus strand), MUC5B-AS1 (MUC5B antisense RNA 1; minus strand). Cytogenetic location: 11p15.5.
Variant type: single nucleotide variant.
Coding change: c.12782C>A on transcript NM_002458.3 (MANE Select); coding-DNA position 12782, C replaced by A.
Protein change: p.Ala4261Glu; replaces alanine 4261 with glutamic acid.
Molecular consequence: missense variant. On other transcripts: non-coding transcript variant (1).
Genome position (GRCh38, 1-based): chr11:1,249,662, C>A. VCF-style: chr11-1249662-C-A. GRCh37 (hg19) VCF-style: chr11-1270892-C-A.
Other names: short protein forms A4261E.
Identifiers: ClinVar variation 2641289 (VCV002641289.24), dbSNP rs200912848, ClinGen allele CA5808095.

ClinVar aggregate classification (germline): Likely benign (1 of 4 stars; one submission).

Allele frequency attached by ClinVar (database versions not stated): gnomAD 0.00181; 1000 Genomes Project 0.00260; 1000 Genomes Project 30x 0.00297.
gnomAD v4.1: 1,007 of 1,611,168 alleles (0.063%); highest among the groups gnomAD compares: African/African-American, 0.56%; 13 homozygotes.

Submission:

CeGaT Center for Human Genetics Tuebingen
Classification: Likely benign. Last evaluated: 2023-09-01. Review status: criteria provided, single submitter. Criteria: CeGaT Center For Human Genetics Tuebingen Variant Classification Criteria Version 2. Collection method: clinical testing. Allele origin: germline. Affected: yes. Observed: 1 variant allele.
Comment: MUC5B: BP4, BS2